The following is an entry in ClinVar:

NM_001372106.1(DNAH10):c.9835A>G (p.Lys3279Glu)

Gene: DNAH10 (dynein axonemal heavy chain 10; plus strand). Cytogenetic location: 12q24.31.
Variant type: single nucleotide variant.
Coding change: c.9835A>G on transcript NM_001372106.1 (MANE Select); coding-DNA position 9835, A replaced by G.
Protein change: p.Lys3279Glu; replaces lysine 3279 with glutamic acid.
Molecular consequence: missense variant.
Genome position (GRCh38, 1-based): chr12:123,909,280, A>G. VCF-style: chr12-123909280-A-G. GRCh37 (hg19) VCF-style: chr12-124393827-A-G.
Other names: c.9481A>G, p.Lys3161Glu (NM_207437.3); short protein forms K3161E, K3279E.
Identifiers: ClinVar variation 791324 (VCV000791324.5), dbSNP rs61747398, ClinGen allele CA6865227.
Genomic context (GRCh38, chr12:123,909,280, plus strand): 5'-CATCCCGGGGTTGTGACCCACGTGCCTTGGTTTCTTGCCAGGTCGTTTGCTAAGCCCCCG[A>G]AGCAGGTGCAGACGGTCTGCGAATGCATCCTCATCATGAAAGGGTACAAAGAGCTGAACT-3'
Protein context (NP_001359035.1, residues 3269-3289): TEIRSFAKPP[Lys3279Glu]QVQTVCECIL

ClinVar aggregate classification (germline): Benign. Review status: criteria provided, multiple submitters, no conflicts (2 of 4 stars). 3 submissions from 3 submitters: Benign (2). 1 of the submissions does not count toward it. Last evaluated 2018-05-08.

Conditions:
DNAH10-related disorder. Also called: DNAH10-related condition.

Allele frequency attached by ClinVar (database versions not stated): gnomAD exomes 0.00085 and 0.00197; ExAC 0.00245; gnomAD 0.00614 and 0.00650; ESP Exome Variant Server 0.00617; 1000 Genomes Project 0.00719; TOPMed 0.00740; 1000 Genomes Project 30x 0.00765.

Submissions (3):

Labcorp Genetics (formerly Invitae), Labcorp
Classification: Benign. Last evaluated: 2018-05-08. Review status: criteria provided, single submitter. Criteria: Invitae Variant Classification Sherloc (09022015). Collection method: clinical testing. Allele origin: germline.

Breakthrough Genomics
Classification: Benign. Review status: criteria provided, single submitter. Criteria: ACMG Guidelines, 2015. Collection method: not provided. Allele origin: germline. Inheritance: Autosomal recessive inheritance. Affected: yes.

PreventionGenetics, part of Exact Sciences
Classification: Benign for DNAH10-related condition. Last evaluated: 2024-07-29. Review status: no assertion criteria provided. Collection method: clinical testing. Allele origin: germline. Not counted in ClinVar's aggregate classification.
Comment: This variant is classified as benign based on ACMG/AMP sequence variant interpretation guidelines (Richards et al. 2015 PMID: 25741868, with internal and published modifications).